The following is an entry in ClinVar:

ClinVar aggregate classification (germline): Pathogenic. Review status: criteria provided, multiple submitters, no conflicts (2 of 4 stars). 3 submissions from 3 submitters: Pathogenic (3). Last evaluated 2023-04-11.

Conditions:
Juvenile onset Parkinson disease 19A. Also called: PARK19; DNAJC6 Parkinson Disease. Identifiers: Orphanet 391411, MedGen C3809811, MONDO:0014231, OMIM 615528.

Allele frequency attached by ClinVar (database versions not stated): gnomAD exomes below 0.00001.
gnomAD v4.1: 4 of 1,600,054 alleles (0.00025%); highest among the groups gnomAD compares: South Asian, 0.0011%; no homozygotes.

Submissions (3):

Genome-Nilou Lab
Classification: Pathogenic for Juvenile onset Parkinson disease 19A. Last evaluated: 2023-04-11. Review status: criteria provided, single submitter. Criteria: ACMG Guidelines, 2015. Collection method: clinical testing. Allele origin: germline. Affected: no.

Institute of Human Genetics Munich, TUM University Hospital
Classification: Pathogenic for Juvenile onset Parkinson disease 19A. Last evaluated: 2020-07-01. Review status: criteria provided, single submitter. Criteria: Classification criteria August 2017. Collection method: clinical testing. Allele origin: germline. Inheritance: Autosomal recessive inheritance. Affected: yes. Observed: 1 homozygote.

Baylor Genetics
Classification: Pathogenic for Juvenile onset Parkinson disease 19A. Last evaluated: 2018-10-19. Review status: criteria provided, single submitter. Criteria: ACMG Guidelines, 2015. Collection method: clinical testing. Allele origin: de novo. Affected: yes.
Comment: This variant was determined to be pathogenic according to ACMG Guidelines, 2015 [PMID:25741868].

NM_001256864.2(DNAJC6):c.988C>T (p.Arg330Ter)

Gene: DNAJC6 (DnaJ heat shock protein family (Hsp40) member C6; plus strand). Cytogenetic location: 1p31.3.
Variant type: single nucleotide variant.
Coding change: c.988C>T on transcript NM_001256864.2 (MANE Select); coding-DNA position 988, C replaced by T.
Protein change: p.Arg330Ter; replaces arginine 330 with a stop codon.
Molecular consequence: nonsense.
Genome position (GRCh38, 1-based): chr1:65,385,899, C>T. VCF-style: chr1-65385899-C-T. GRCh37 (hg19) VCF-style: chr1-65851582-C-T.
Other names: c.778C>T, p.Arg260Ter (NM_001256865.2); c.817C>T, p.Arg273Ter (NM_014787.4); short protein forms R260*, R273*, R330*.
Identifiers: ClinVar variation 976692 (VCV000976692.6), dbSNP rs1645867120, ClinGen allele CA340683379.
Genomic context (GRCh38, chr1:65,385,899, plus strand): 5'-CCTTACTGTGATGTACTCATTGGAGAAACCAAAATATATTCGACTTGCACAGATTTTGAA[C>T]GAATGAAGTAAGTCATGATACTTTACTTCTTCCTATGTACTTCTCAATTCTCATGTAAAT-3'